The following is an entry in ClinVar:

NM_002439.5(MSH3):c.2830_2833del (p.Asn944fs)

Gene: MSH3 (mutS homolog 3; plus strand). Cytogenetic location: 5q14.1.
Variant type: Deletion.
Coding change: c.2830_2833del on transcript NM_002439.5 (MANE Select); coding-DNA positions 2830 to 2833, 4 bases deleted (AATA; older notation c.2830_2833delAATA).
Protein change: p.Asn944fs; shifts the reading frame from asparagine 944.
Molecular consequence: frameshift variant.
Genome position (GRCh38, 1-based): chr5:80,854,146-80,854,149, AATA deleted. VCF-style (leftmost placement, unchanged base first): chr5-80854145-CAATA-C. GRCh37 (hg19) VCF-style: chr5-80149964-CAATA-C.
Other names: short protein forms N944fs.
Identifiers: ClinVar variation 2431288 (VCV002431288.1), dbSNP rs2478771447, ClinGen allele CA2580073539.

ClinVar aggregate classification (germline): Pathogenic (1 of 4 stars; one submission).

Conditions:
Familial adenomatous polyposis 4 (FAP4). Also called: MSH3-related attenuated familial adenomatous polyposis. Identifiers: Orphanet 480536, MedGen C4310719, MONDO:0044300, OMIM 617100.

Submission:

Myriad Genetics, Inc.
Classification: Pathogenic for Familial adenomatous polyposis 4. Last evaluated: 2022-12-29. Review status: criteria provided, single submitter. Criteria: Myriad Autosomal Dominant, Autosomal Recessive and X-Linked Classification Criteria (2023). Collection method: clinical testing. Allele origin: unknown.
Comment: This variant is considered pathogenic. This variant creates a frameshift predicted to result in premature protein truncation.